The following is an entry in ClinVar:

NM_004415.4(DSP):c.4969C>T (p.Leu1657Phe)

Gene: DSP (desmoplakin; plus strand). Cytogenetic location: 6p24.3.
Variant type: single nucleotide variant.
Coding change: c.4969C>T on transcript NM_004415.4 (MANE Select); coding-DNA position 4969, C replaced by T.
Protein change: p.Leu1657Phe; replaces leucine 1657 with phenylalanine.
Molecular consequence: missense variant. On other transcripts: intron variant (2).
Genome position (GRCh38, 1-based): chr6:7,581,159, C>T. VCF-style: chr6-7581159-C-T. GRCh37 (hg19) VCF-style: chr6-7581392-C-T.
Other names: c.4050+919C>T (NM_001319034.2); c.3582+1387C>T (NM_001008844.3); short protein forms L1657F.
Identifiers: ClinVar variation 3749560 (VCV003749560.2).

ClinVar aggregate classification (germline): Uncertain significance (1 of 4 stars; one submission).

Conditions:
Arrhythmogenic cardiomyopathy with wooly hair and keratoderma. Also called: PALMOPLANTAR KERATODERMA WITH LEFT VENTRICULAR CARDIOMYOPATHY AND WOOLLY HAIR; Dilated cardiomyopathy with woolly hair and keratoderma; Carvajal syndrome; Arrhythmogenic cardiomyopathy with woolly hair and keratoderma. Identifiers: Orphanet 65282, MedGen C1854063, MONDO:0011581, OMIM 605676.
Arrhythmogenic right ventricular dysplasia 8 (ARVD8). Also called: Arrhythmogenic Right Ventricular Dysplasia/Cardiomyopathy 8; ARRHYTHMOGENIC RIGHT VENTRICULAR DYSPLASIA, FAMILIAL, 8; ARRHYTHMOGENIC RIGHT VENTRICULAR CARDIOMYOPATHY 8. Identifiers: MedGen C1843896, MONDO:0011831, OMIM 607450.

Submission:

Labcorp Genetics (formerly Invitae), Labcorp
Classification: Uncertain significance for Arrhythmogenic cardiomyopathy with wooly hair and keratoderma; Arrhythmogenic right ventricular dysplasia 8. Last evaluated: 2024-02-13. Review status: criteria provided, single submitter. Criteria: Invitae Variant Classification Sherloc (09022015). Collection method: clinical testing. Allele origin: germline.
Comment: This sequence change replaces leucine, which is neutral and non-polar, with phenylalanine, which is neutral and non-polar, at codon 1657 of the DSP protein (p.Leu1657Phe). This variant is not present in population databases (gnomAD no frequency). This variant has not been reported in the literature in individuals affected with DSP-related conditions. An algorithm developed to predict the effect of missense changes on protein structure and function (PolyPhen-2) suggests that this variant is likely to be tolerated. In summary, the available evidence is currently insufficient to determine the role of this variant in disease. Therefore, it has been classified as a Variant of Uncertain Significance.